The following is an entry in ClinVar:

NM_033026.6(PCLO):c.3656A>T (p.Lys1219Ile)

Gene: PCLO (piccolo presynaptic cytomatrix protein; minus strand). Cytogenetic location: 7q21.11.
Variant type: single nucleotide variant.
Coding change: c.3656A>T on transcript NM_033026.6 (MANE Select); coding-DNA position 3656, A replaced by T.
Protein change: p.Lys1219Ile; replaces lysine 1219 with isoleucine.
Molecular consequence: missense variant.
Genome position (GRCh38, 1-based): chr7:82,966,132, T>A on the plus strand (A>T on the coding strand, the complement: PCLO is on the minus strand). VCF-style: chr7-82966132-T-A. GRCh37 (hg19) VCF-style: chr7-82595448-T-A.
Other names: c.3656A>T (NM_033026.5); c.3656A>T, p.Lys1219Ile (NM_014510.3); short protein forms K1219I.
Identifiers: ClinVar variation 1928418 (VCV001928418.5), dbSNP rs757563276, ClinGen allele CA4320992.
Genomic context (GRCh38, chr7:82,966,132, plus strand): 5'-TTTTCTTCTAGGAGTGGCTTTTTTTCTTCAGAACGTATCTTTTCTTCTTCAGGGATTAGT[T>A]TTTTTTCTTCAGGGAGTGGCTTTTTTTCTTGAAGAGCTGAAGCTTTGTCTTTCTCTAGTT-3'
Protein context (NP_149015.2, residues 1209-1229): QEKKPLPEEK[Lys1219Ile]LIPEEEKIRS

ClinVar aggregate classification (germline): Uncertain significance. Review status: criteria provided, multiple submitters, no conflicts (2 of 4 stars). 2 submissions from 2 submitters: Uncertain significance (2). Last evaluated 2024-12-09.

Conditions:
Inborn genetic diseases. Identifiers: MedGen C0950123, MeSH D030342.

Allele frequency attached by ClinVar (database versions not stated): ExAC 0.00003.
gnomAD v4.1: 27 of 1,605,762 alleles (0.0017%); highest among the groups gnomAD compares: Middle Eastern, 0.033%; no homozygotes.

Submissions (2):

Labcorp Genetics (formerly Invitae), Labcorp
Classification: Uncertain significance. Last evaluated: 2024-12-09. Review status: criteria provided, single submitter. Criteria: Invitae Variant Classification Sherloc (09022015). Collection method: clinical testing. Allele origin: germline.
Comment: This sequence change replaces lysine, which is basic and polar, with isoleucine, which is neutral and non-polar, at codon 1219 of the PCLO protein (p.Lys1219Ile). This variant is present in population databases (rs757563276, gnomAD 0.01%). This variant has not been reported in the literature in individuals affected with PCLO-related conditions. ClinVar contains an entry for this variant (Variation ID: 1928418). Experimental studies and prediction algorithms are not available or were not evaluated, and the functional significance of this variant is currently unknown. In summary, the available evidence is currently insufficient to determine the role of this variant in disease. Therefore, it has been classified as a Variant of Uncertain Significance.

Ambry Genetics
Classification: Uncertain significance for Inborn genetic diseases. Last evaluated: 2024-01-29. Review status: criteria provided, single submitter. Criteria: Ambry Variant Classification Scheme 2023. Collection method: clinical testing. Allele origin: germline.